The following is an entry in ClinVar:

NM_022124.6(CDH23):c.9720C>G (p.Cys3240Trp)

Gene: CDH23 (cadherin related 23; plus strand). Cytogenetic location: 10q22.1.
Variant type: single nucleotide variant.
Coding change: c.9720C>G on transcript NM_022124.6 (MANE Select); coding-DNA position 9720, C replaced by G.
Protein change: p.Cys3240Trp; replaces cysteine 3240 with tryptophan.
Molecular consequence: missense variant. On other transcripts: intron variant (2).
Genome position (GRCh38, 1-based): chr10:71,813,330, C>G. VCF-style: chr10-71813330-C-G. GRCh37 (hg19) VCF-style: chr10-73573087-C-G.
Other names: c.3000C>G, p.Cys1000Trp (NM_001171933.1); c.411C>G, p.Cys137Trp (NM_001171935.1); c.2913+440C>G (NM_001171934.1); c.324+440C>G (NM_001171936.1); short protein forms C137W, C3240W, C1000W.
Identifiers: ClinVar variation 1406275 (VCV001406275.3), dbSNP rs1450026034, ClinGen allele CA377137386.

ClinVar aggregate classification (germline): Uncertain significance (1 of 4 stars; one submission).

Allele frequency attached by ClinVar (database versions not stated): gnomAD exomes below 0.00001; TOPMed below 0.00001.
gnomAD v4.1: 1 of 1,551,602 alleles (0.000064%); highest among the groups gnomAD compares: Non-Finnish European, 0.000087%; no homozygotes.

Submission:

Labcorp Genetics (formerly Invitae), Labcorp
Classification: Uncertain significance. Last evaluated: 2021-11-27. Review status: criteria provided, single submitter. Criteria: Invitae Variant Classification Sherloc (09022015). Collection method: clinical testing. Allele origin: germline.
Comment: This sequence change replaces cysteine, which is neutral and slightly polar, with tryptophan, which is neutral and slightly polar, at codon 3240 of the CDH23 protein (p.Cys3240Trp). This variant is not present in population databases (gnomAD no frequency). This missense change has been observed in individual(s) with deafness (PMID: 24123792). Algorithms developed to predict the effect of missense changes on protein structure and function are either unavailable or do not agree on the potential impact of this missense change (SIFT: "Deleterious"; PolyPhen-2: "Not Available"; Align-GVGD: "Class C0"). In summary, the available evidence is currently insufficient to determine the role of this variant in disease. Therefore, it has been classified as a Variant of Uncertain Significance.

Literature cited by the submitters: PubMed 24123792.